The following is an entry in ClinVar:

NM_000179.3(MSH6):c.3798T>A (p.His1266Gln)

Gene: MSH6 (mutS homolog 6; plus strand). Cytogenetic location: 2p16.3.
Variant type: single nucleotide variant.
Coding change: c.3798T>A on transcript NM_000179.3 (MANE Select); coding-DNA position 3798, T replaced by A.
Protein change: p.His1266Gln; replaces histidine 1266 with glutamine.
Molecular consequence: missense variant. On other transcripts: non-coding transcript variant (5).
Genome position (GRCh38, 1-based): chr2:47,806,355, T>A. VCF-style: chr2-47806355-T-A. GRCh37 (hg19) VCF-style: chr2-48033494-T-A.
Other names: c.3408T>A, p.His1136Gln (NM_001281492.2); c.2892T>A, p.His964Gln (NM_001281493.2, NM_001281494.2, NM_001406811.1 and 6 more transcripts); c.3894T>A, p.His1298Gln (NM_001406795.1, NM_001406802.1); c.3798T>A, p.His1266Gln (NM_001406796.1, NM_001406800.1, NM_001406808.1 and 1 more transcripts); c.3501T>A, p.His1167Gln (NM_001406797.1, NM_001406801.1, NM_001406805.1 and 10 more transcripts); c.3624T>A, p.His1208Gln (NM_001406798.1); c.3273T>A, p.His1091Gln (NM_001406799.1, NM_001406806.1, NM_001406807.1); c.2934T>A, p.His978Gln (NM_001406803.1); and 7 more; short protein forms H193Q, H964Q, H1167Q, H1208Q, H1268Q, H1298Q, H581Q, H1091Q.
Identifiers: ClinVar variation 3398872 (VCV003398872.1).
Genomic context (GRCh38, chr2:47,806,355, plus strand): 5'-AACTCACTACCATTCATTAGTAGAAGATTATTCTCAAAATGTTGCTGTGCGCCTAGGACA[T>A]ATGGTATGTGCAAATTGTTTTTTTCCACAAATTCGGTTTTTTGAGAGGGCACTTCTCTTG-3'
Protein context (NP_000170.1, residues 1256-1276): YSQNVAVRLG[His1266Gln]MACMVENECE

ClinVar aggregate classification (germline): Uncertain significance (1 of 4 stars; one submission).

Conditions:
Hereditary cancer-predisposing syndrome. Also called: Hereditary Cancer Syndrome; Tumor predisposition; Hereditary neoplastic syndrome; Neoplastic Syndromes, Hereditary. Identifiers: Orphanet 140162, MedGen C0027672, MeSH D009386, MONDO:0015356.

Submission:

Ambry Genetics
Classification: Uncertain significance for Hereditary cancer-predisposing syndrome. Last evaluated: 2024-07-05. Review status: criteria provided, single submitter. Criteria: Ambry Variant Classification Scheme 2023. Collection method: clinical testing. Allele origin: germline.
Comment: The p.H1266Q variant (also known as c.3798T>A), located in coding exon 8 of the MSH6 gene, results from a T to A substitution at nucleotide position 3798. The histidine at codon 1266 is replaced by glutamine, an amino acid with highly similar properties. This amino acid position is conserved. In addition, this alteration is predicted to be deleterious by in silico analysis. Based on the available evidence, the clinical significance of this variant remains unclear.